The following is an entry in ClinVar:

NM_000540.3(RYR1):c.6069C>T (p.Leu2023=)

Gene: RYR1 (ryanodine receptor 1; plus strand). Cytogenetic location: 19q13.2.
Variant type: single nucleotide variant.
Coding change: c.6069C>T on transcript NM_000540.3 (MANE Select); coding-DNA position 6069, C replaced by T.
Protein change: p.Leu2023=; no amino-acid change (leucine 2023 retained).
Molecular consequence: synonymous variant.
Genome position (GRCh38, 1-based): chr19:38,490,674, C>T. VCF-style: chr19-38490674-C-T. GRCh37 (hg19) VCF-style: chr19-38981314-C-T.
Other names: c.6069C>T, p.Leu2023= (NM_001042723.2).
Identifiers: ClinVar variation 2063477 (VCV002063477.6), dbSNP rs755288994, ClinGen allele CA067713.

ClinVar aggregate classification (germline): Likely benign. Review status: criteria provided, multiple submitters, no conflicts (2 of 4 stars). 3 submissions from 3 submitters: Likely benign (3). Last evaluated 2024-08-07.

Conditions:
RYR1-related disorder. Also called: RYR1-related condition; RYR1-related disorders. Identifiers: MedGen CN239331.
Malignant hyperthermia, susceptibility to, 1 (MHS1). Also called: RYR1-Related Malignant Hyperthermia Susceptibility; Malignant hyperthermia suceptibility 1; Anesthesia related hyperthermia; Malignant hyperpyrexia; Fulminating hyperpyrexia; Pharmacogenic myopathy. Identifiers: Orphanet 423, MedGen C2930980, MONDO:0007783, OMIM 145600.

Allele frequency attached by ClinVar (database versions not stated): gnomAD exomes below 0.00001; TOPMed below 0.00001; ExAC 0.00001; gnomAD 0.00001.
gnomAD v4.1: 5 of 1,613,624 alleles (0.00031%); highest among the groups gnomAD compares: Non-Finnish European, 0.00042%; no homozygotes.

Submissions (3):

Labcorp Genetics (formerly Invitae), Labcorp
Classification: Likely benign for RYR1-related disorder. Last evaluated: 2024-08-07. Review status: criteria provided, single submitter. Criteria: Invitae Variant Classification Sherloc (09022015). Collection method: clinical testing. Allele origin: germline.

All of Us Research Program, National Institutes of Health
Classification: Likely benign for Malignant hyperthermia, susceptibility to, 1. Last evaluated: 2024-02-05. Review status: criteria provided, single submitter. Criteria: ACMG Guidelines, 2015. Collection method: clinical testing. Allele origin: germline. Inheritance: Autosomal dominant inheritance. Observed: 4 variant alleles, 4 heterozygotes.
Comment: This study involves interpretation of variants in research participants for the purpose of population health screening. Participant phenotype was not available at the time of variant classification. Additional details can be found in publication PMID: 35346344, PMCID: PMC8962531

Color Diagnostics, LLC DBA Color Health
Classification: Likely benign for Malignant hyperthermia, susceptibility to, 1. Last evaluated: 2022-11-06. Review status: criteria provided, single submitter. Criteria: ACMG Guidelines, 2015. Collection method: clinical testing. Allele origin: germline.